The following is an entry in ClinVar:

ClinVar aggregate classification (germline): Likely pathogenic (1 of 4 stars; one submission).

Conditions:
Multiple congenital anomalies-hypotonia-seizures syndrome 1 (MCAHS1). Also called: PIGN-CDG; Congenital disorder of glycosylation due to PIGN deficiency; GLYCOSYLPHOSPHATIDYLINOSITOL BIOSYNTHESIS DEFECT 3. Identifiers: Orphanet 280633, MedGen C3279775, MONDO:0013563, OMIM 614080.

Submission:

Labcorp Genetics (formerly Invitae), Labcorp
Classification: Likely pathogenic for Multiple congenital anomalies-hypotonia-seizures syndrome 1. Last evaluated: 2021-08-27. Review status: criteria provided, single submitter. Criteria: Invitae Variant Classification Sherloc (09022015). Collection method: clinical testing. Allele origin: germline.
Comment: This sequence change affects a donor splice site in intron 17 of the PIGN gene. It is expected to disrupt RNA splicing. Variants that disrupt the donor or acceptor splice site typically lead to a loss of protein function (PMID: 16199547), and loss-of-function variants in PIGN are known to be pathogenic (PMID: 24253414, 27038415). This variant is not present in population databases (ExAC no frequency). Disruption of this splice site has been observed in individual(s) with clinical features of PIGN-related conditions (PMID: 24852103). Algorithms developed to predict the effect of sequence changes on RNA splicing suggest that this variant may disrupt the consensus splice site. In summary, the currently available evidence indicates that the variant is pathogenic, but additional data are needed to prove that conclusively. Therefore, this variant has been classified as Likely Pathogenic.

Literature cited by the submitters: PubMed 16199547; PubMed 24253414; PubMed 27038415; PubMed 24852103.

NM_176787.5(PIGN):c.1574+1G>C

Gene: PIGN (phosphatidylinositol glycan anchor biosynthesis class N; minus strand). Cytogenetic location: 18q21.33.
Variant type: single nucleotide variant.
Coding change: c.1574+1G>C on transcript NM_176787.5 (MANE Select); the canonical splice donor site of the intron after coding-DNA position 1574, G replaced by C.
Molecular consequence: splice donor variant.
Genome position (GRCh38, 1-based): chr18:62,109,833, C>G on the plus strand (G>C on the coding strand, the complement: PIGN is on the minus strand). VCF-style: chr18-62109833-C-G. GRCh37 (hg19) VCF-style: chr18-59777066-C-G.
Other names: c.1574+1G>C (NM_012327.6).
Identifiers: ClinVar variation 1481583 (VCV001481583.6), dbSNP rs371315187, ClinGen allele CA402605344.